The following is an entry in ClinVar:

NM_005094.4(SLC27A4):c.415T>G (p.Phe139Val)

Gene: SLC27A4 (solute carrier family 27 member 4; plus strand). Cytogenetic location: 9q34.11.
Variant type: single nucleotide variant.
Coding change: c.415T>G on transcript NM_005094.4 (MANE Select); coding-DNA position 415, T replaced by G.
Protein change: p.Phe139Val; replaces phenylalanine 139 with valine.
Molecular consequence: missense variant.
Genome position (GRCh38, 1-based): chr9:128,345,408, T>G. VCF-style: chr9-128345408-T-G. GRCh37 (hg19) VCF-style: chr9-131107687-T-G.
Other names: short protein forms F139V.
Identifiers: ClinVar variation 1699802 (VCV001699802.3), dbSNP rs747250280, ClinGen allele CA5260927.

ClinVar aggregate classification (germline): Uncertain significance. Review status: criteria provided, multiple submitters, no conflicts (2 of 4 stars). 2 submissions from 2 submitters: Uncertain significance (2). Last evaluated 2024-10-24.

Conditions:
Inborn genetic diseases. Identifiers: MedGen C0950123, MeSH D030342.

Allele frequency attached by ClinVar (database versions not stated): ExAC 0.00003; gnomAD exomes 0.00004 and 0.00013; gnomAD 0.00006.
gnomAD v4.1: 197 of 1,613,540 alleles (0.012%); highest among the groups gnomAD compares: Non-Finnish European, 0.016%; no homozygotes.

Submissions (2):

Ambry Genetics
Classification: Uncertain significance for Inborn genetic diseases. Last evaluated: 2024-10-24. Review status: criteria provided, single submitter. Criteria: Ambry Variant Classification Scheme 2023. Collection method: clinical testing. Allele origin: germline.

GeneDx
Classification: Uncertain significance. Last evaluated: 2022-01-28. Review status: criteria provided, single submitter. Criteria: GeneDx Variant Classification Process June 2021. Collection method: clinical testing. Allele origin: germline. Affected: yes.
Comment: Has not been previously published as pathogenic or benign to our knowledge; Not observed at significant frequency in large population cohorts (gnomAD); In silico analysis supports that this missense variant has a deleterious effect on protein structure/function